The following is an entry in ClinVar:

ClinVar aggregate classification (germline): Likely benign. Review status: reviewed by expert panel (3 of 4 stars). 6 submissions from 6 submitters: Likely benign (1). 5 of the submissions do not count toward it. Last evaluated 2023-08-23.

Conditions:
CDKL5 disorder. Identifiers: MedGen CN296942, MONDO:0100039.
Developmental and epileptic encephalopathy, 2 (DEE2). Also called: INFANTILE SPASM SYNDROME, X-LINKED 2; CDKL5 deficiency disorder. Identifiers: Orphanet 1934, Orphanet 3451, Orphanet 505652, MedGen C4750718, MONDO:0010396, OMIM 300672.
Angelman syndrome-like. Identifiers: MedGen CN128785.
CDKL5-related disorder.

Allele frequency attached by ClinVar (database versions not stated): gnomAD 0.00002; gnomAD exomes 0.00002; TOPMed 0.00002; ExAC 0.00003.
gnomAD v4.1: 20 of 1,204,986 alleles (0.0017%); highest among the groups gnomAD compares: Admixed American, 0.0022%; no homozygotes.

Submissions (6):

ClinGen Rett and Angelman-like Disorders Variant Curation Expert Panel
Classification: Likely benign for CDKL5 disorder. Last evaluated: 2023-08-23. Review status: reviewed by expert panel. Criteria: ClinGen RettAS ACMG Specifications CDKL5 V3.0.0. Collection method: curation. Allele origin: germline. Inheritance: X-linked inheritance.
Comment: The p.Arg65Gln variant in CDKL5 is present in 2 female and 1 male individuals in gnomAD (0.002%) (not sufficient to meet BS1 criteria). The p.Arg65Gln variant is observed in at least 2 unaffected individuals (internal database) (BS2). The p.Arg65Gln variant is found in 2 patients with an alternate molecular basis of disease (internal database) (BP5). In summary, the p.Arg65Gln variant in CDKL5 is classified as likely benign based on the ACMG/AMP criteria (BS2, BP5).

Centre for Population Genomics, CPG
Classification: Benign for CDKL5 disorder. Last evaluated: 2024-07-02. Review status: criteria provided, single submitter. Criteria: McKnight et al. (Hum Mutat. 2022). Collection method: curation. Allele origin: germline. Inheritance: X-linked inheritance. Not counted in ClinVar's aggregate classification.
Comment: This variant has been collected from RettBASE and curated to current modified ACMG/AMP criteria. Based on the classification scheme defined by the ClinGen Rett/Angelman-like Expert Panel for Rett/AS-like Disorders Specifications to the ACMG/AMP Variant Interpretation Guidelines VCEP 3.0, this variant is classified as benign. At least the following criteria are met: The allele frequency of this variant in at least one population in population databases (gnomAD , Turkish Variome) is between 0.008% and 0.03% (BS1). The variant is observed in at least 2 individuals with no features of CDKL5 disorder (BS2). PubMed: 17993579 Variation ID: 143789

Labcorp Genetics (formerly Invitae), Labcorp
Classification: Benign for Developmental and epileptic encephalopathy, 2; Angelman syndrome-like. Last evaluated: 2024-05-14. Review status: criteria provided, single submitter. Criteria: Invitae Variant Classification Sherloc (09022015). Collection method: clinical testing. Allele origin: germline. Not counted in ClinVar's aggregate classification.

GeneDx
Classification: Likely benign. Last evaluated: 2021-05-05. Review status: criteria provided, single submitter. Criteria: GeneDx Variant Classification Process June 2021. Collection method: clinical testing. Allele origin: germline. Affected: yes. Not counted in ClinVar's aggregate classification.
Comment: This variant is associated with the following publications: (PMID: 17993579)

PreventionGenetics, part of Exact Sciences
Classification: Likely benign for CDKL5-related condition. Last evaluated: 2021-04-08. Review status: no assertion criteria provided. Collection method: clinical testing. Allele origin: germline. Not counted in ClinVar's aggregate classification.
Comment: This variant is classified as likely benign based on ACMG/AMP sequence variant interpretation guidelines (Richards et al. 2015 PMID: 25741868, with internal and published modifications).

RettBASE
Classification: Benign. Last evaluated: 2014-05-09. Review status: no assertion criteria provided. Collection method: curation. Allele origin: paternal, unknown. Observed: 2 variant alleles. Not counted in ClinVar's aggregate classification.
Comment: Reported in paper as c.193C>A, but chromatogram shows c.194G>A.

Literature cited by the submitters: PubMed 17993579 (cited by RettBASE).

NM_001323289.2(CDKL5):c.194G>A (p.Arg65Gln)

Gene: CDKL5 (cyclin dependent kinase like 5; plus strand). Cytogenetic location: Xp22.13.
Variant type: single nucleotide variant.
Coding change: c.194G>A on transcript NM_001323289.2 (MANE Select); coding-DNA position 194, G replaced by A.
Protein change: p.Arg65Gln; replaces arginine 65 with glutamine.
Molecular consequence: missense variant.
Genome position (GRCh38, 1-based): chrX:18,575,402, G>A. VCF-style: chrX-18575402-G-A. GRCh37 (hg19) VCF-style: chrX-18593522-G-A.
Other names: NM_001323289.2(CDKL5):c.194G>A; p.Arg65Gln; c.194G>A, p.Arg65Gln (NM_001037343.2, NM_003159.3); short protein forms R65Q.
Identifiers: ClinVar variation 143789 (VCV000143789.16), dbSNP rs267608436, ClinGen allele CA170462.